The following is an entry in ClinVar:

NM_001368397.1(FRMPD4):c.1896C>A (p.Thr632=)

Gene: FRMPD4 (FERM and PDZ domain containing 4; plus strand). Cytogenetic location: Xp22.2.
Variant type: single nucleotide variant.
Coding change: c.1896C>A on transcript NM_001368397.1 (MANE Select); coding-DNA position 1896, C replaced by A.
Protein change: p.Thr632=; no amino-acid change (threonine 632 retained).
Molecular consequence: synonymous variant.
Genome position (GRCh38, 1-based): chrX:12,716,355, C>A. VCF-style: chrX-12716355-C-A. GRCh37 (hg19) VCF-style: chrX-12734474-C-A.
Other names: c.2007C>A, p.Thr669= (NM_001368395.3, NM_001368398.3); c.1902C>A, p.Thr634= (NM_001368396.3); c.1887C>A, p.Thr629= (NM_001368399.3); c.1776C>A, p.Thr592= (NM_001368400.3); c.1872C>A, p.Thr624= (NM_001368401.1, NM_001368402.3); c.1896C>A, p.Thr632= (NM_014728.3).
Identifiers: ClinVar variation 3046951 (VCV003046951.2), dbSNP rs369092267, ClinGen allele CA10349380.
Genomic context (GRCh38, chrX:12,716,355, plus strand): 5'-GCCCGGGGAGGCCCCCTGTGAGGCAGACTACAGAAGTCTAGCTCAGCGGTCCCTATTGAC[C>A]CTCTCAGGACCAGAAACTCTGAAGAAAGCACAGGAATCTCCGAGAGGAGCTAAAGTGTCC-3'
Protein context (NP_001355326.1, residues 622-642): YRSLAQRSLL[Thr632=]LSGPETLKKA

ClinVar aggregate classification (germline): Likely benign (0 of 4 stars; one submission).

Conditions:
FRMPD4-related disorder. Also called: FRMPD4-related condition.

Allele frequency attached by ClinVar (database versions not stated): gnomAD exomes 0.00001; ExAC 0.00003; gnomAD 0.00005; TOPMed 0.00006; ESP Exome Variant Server 0.00009; 1000 Genomes Project 30x 0.00062; 1000 Genomes Project 0.00079.
gnomAD v4.1: 19 of 1,209,707 alleles (0.0016%); highest among the groups gnomAD compares: East Asian, 0.018%; no homozygotes.

Submission:

PreventionGenetics, part of Exact Sciences
Classification: Likely benign for FRMPD4-related condition. Last evaluated: 2019-04-15. Review status: no assertion criteria provided. Collection method: clinical testing. Allele origin: germline.
Comment: This variant is classified as likely benign based on ACMG/AMP sequence variant interpretation guidelines (Richards et al. 2015 PMID: 25741868, with internal and published modifications).